The following is an entry in ClinVar:

ClinVar aggregate classification (germline): Uncertain significance (1 of 4 stars; one submission).

Conditions:
Hypertrophic cardiomyopathy 26. Also called: Cardiomyopathy, familial hypertrophic, 26. Identifiers: Orphanet 75249, MedGen C4310749, MONDO:0014883, OMIM 617047.
Myofibrillar myopathy 5. Also called: Filaminopathy (type); FILAMINOPATHY, AUTOSOMAL DOMINANT. Identifiers: Orphanet 171445, MedGen C1836050, MONDO:0012289, OMIM 609524.
Distal myopathy with posterior leg and anterior hand involvement. Also called: WILLIAMS DISTAL MYOPATHY. Identifiers: Orphanet 63273, MedGen C3279722, MONDO:0013550, OMIM 614065.

Submission:

Labcorp Genetics (formerly Invitae), Labcorp
Classification: Uncertain significance for Distal myopathy with posterior leg and anterior hand involvement; Myofibrillar myopathy 5; Hypertrophic cardiomyopathy 26. Last evaluated: 2025-10-13. Review status: criteria provided, single submitter. Criteria: Invitae Variant Classification Sherloc (09022015). Collection method: clinical testing. Allele origin: germline.
Comment: This sequence change replaces lysine, which is basic and polar, with glutamic acid, which is acidic and polar, at codon 776 of the FLNC protein (p.Lys776Glu). This variant is not present in population databases (gnomAD no frequency). This variant has not been reported in the literature in individuals affected with FLNC-related conditions. Invitae Evidence Modeling of protein sequence and biophysical properties (such as structural, functional, and spatial information, amino acid conservation, physicochemical variation, residue mobility, and thermodynamic stability) has been performed for this missense variant. However, the output from this modeling did not meet the statistical confidence thresholds required to predict the impact of this variant on FLNC protein function. In summary, the available evidence is currently insufficient to determine the role of this variant in disease. Therefore, it has been classified as a Variant of Uncertain Significance.

NM_001458.5(FLNC):c.2326A>G (p.Lys776Glu)

Gene: FLNC (filamin C; plus strand). Cytogenetic location: 7q32.1.
Variant type: single nucleotide variant.
Coding change: c.2326A>G on transcript NM_001458.5 (MANE Select); coding-DNA position 2326, A replaced by G.
Protein change: p.Lys776Glu; replaces lysine 776 with glutamic acid.
Molecular consequence: missense variant.
Genome position (GRCh38, 1-based): chr7:128,842,635, A>G. VCF-style: chr7-128842635-A-G. GRCh37 (hg19) VCF-style: chr7-128482689-A-G.
Other names: c.2326A>G, p.Lys776Glu (NM_001127487.2); short protein forms K776E.
Identifiers: ClinVar variation 4812695 (VCV004812695.1).